The following is an entry in ClinVar:

NM_000432.4(MYL2):c.349G>A (p.Asp117Asn)

Gene: MYL2 (myosin light chain 2; minus strand). Cytogenetic location: 12q24.11.
Variant type: single nucleotide variant.
Coding change: c.349G>A on transcript NM_000432.4 (MANE Select); coding-DNA position 349, G replaced by A.
Protein change: p.Asp117Asn; replaces aspartic acid 117 with asparagine.
Molecular consequence: missense variant.
Genome position (GRCh38, 1-based): chr12:110,913,250, C>T on the plus strand (G>A on the coding strand, the complement: MYL2 is on the minus strand). VCF-style: chr12-110913250-C-T. GRCh37 (hg19) VCF-style: chr12-111351054-C-T.
Other names: c.307G>A, p.Asp103Asn (NM_001406745.1); c.292G>A, p.Asp98Asn (NM_001406916.1); short protein forms D117N, D103N, D98N.
Identifiers: ClinVar variation 3876554 (VCV003876554.3).

ClinVar aggregate classification (germline): Uncertain significance. Review status: criteria provided, multiple submitters, no conflicts (2 of 4 stars). 4 submissions from 4 submitters: Uncertain significance (4). Last evaluated 2026-01-06.

Conditions:
Cardiovascular phenotype. Identifiers: MedGen CN230736.
Hypertrophic cardiomyopathy 10. Also called: CARDIOMYOPATHY, HYPERTROPHIC, MID-LEFT VENTRICULAR CHAMBER TYPE, 2; MYL2-Related Familial Hypertrophic Cardiomyopathy. Identifiers: MedGen C1834460, MONDO:0012112, OMIM 608758.
Cardiomyopathy (CMYO). Also called: Cardiomyopathies. Identifiers: Orphanet 167848, MedGen C0878544, MONDO:0004994, HP:0001638. Inheritance: Various modes of inheritance.

Submissions (4):

Labcorp Genetics (formerly Invitae), Labcorp
Classification: Uncertain significance for Hypertrophic cardiomyopathy 10. Last evaluated: 2026-01-06. Review status: criteria provided, single submitter. Criteria: Invitae Variant Classification Sherloc (09022015). Collection method: clinical testing. Allele origin: germline.
Comment: This sequence change replaces aspartic acid, which is acidic and polar, with asparagine, which is neutral and polar, at codon 117 of the MYL2 protein (p.Asp117Asn). This variant is present in population databases (no rsID available, gnomAD 0.0009%). This variant has not been reported in the literature in individuals affected with MYL2-related conditions. ClinVar contains an entry for this variant (Variation ID: 3876554). An algorithm developed to predict the effect of missense changes on protein structure and function (PolyPhen-2) suggests that this variant is likely to be tolerated. In summary, the available evidence is currently insufficient to determine the role of this variant in disease. Therefore, it has been classified as a Variant of Uncertain Significance.

Color Diagnostics, LLC DBA Color Health
Classification: Uncertain significance for Cardiomyopathy. Last evaluated: 2025-11-10. Review status: criteria provided, single submitter. Criteria: ACMG Guidelines, 2015. Collection method: clinical testing. Allele origin: germline.
Comment: This missense variant replaces aspartic acid with asparagine at codon 117 of the MYL2 protein. Computational prediction suggests that this variant may not impact protein structure and function. To our knowledge, functional studies have not been reported for this variant. This variant has not been reported in individuals affected with MYL2-related disorders in the literature. This variant has been identified in 1/251492 chromosomes in the general population by the Genome Aggregation Database (gnomAD). The available evidence is insufficient to determine the role of this variant in disease conclusively. Therefore, this variant is classified as a Variant of Uncertain Significance.

GeneDx
Classification: Uncertain significance. Last evaluated: 2025-07-25. Review status: criteria provided, single submitter. Criteria: GeneDx Variant Classification Process June 2021. Collection method: clinical testing. Allele origin: germline. Affected: yes.
Comment: Not observed at significant frequency in large population cohorts (gnomAD); In silico analysis supports that this missense variant has a deleterious effect on protein structure/function; Has not been previously published as pathogenic or benign to our knowledge

Ambry Genetics
Classification: Uncertain significance for Cardiovascular phenotype. Last evaluated: 2025-03-04. Review status: criteria provided, single submitter. Criteria: Ambry Variant Classification Scheme 2023. Collection method: clinical testing. Allele origin: germline.
Comment: The p.D117N variant (also known as c.349G>A), located in coding exon 5 of the MYL2 gene, results from a G to A substitution at nucleotide position 349. The aspartic acid at codon 117 is replaced by asparagine, an amino acid with highly similar properties. This amino acid position is conserved. In addition, this alteration is predicted to be tolerated by in silico analysis. Based on the available evidence, the clinical significance of this variant remains unclear.